The following is an entry in ClinVar:

ClinVar aggregate classification (germline): Uncertain significance (1 of 4 stars; one submission).

gnomAD v4.1: 1 of 1,613,400 alleles (0.000062%); highest among the groups gnomAD compares: Non-Finnish European, 0.000085%; no homozygotes.

Submission:

Dasa
Classification: Uncertain significance. Last evaluated: 2025-09-17. Review status: criteria provided, single submitter. Criteria: DASA Assertion Criteria. Collection method: clinical testing. Allele origin: germline.
Comment: NM_001080449.3(DNA2):c.1120A>G (p.Thr374Ala) is a missense variant that results in the substitution of threonine with alanine. This variant is rare in population databases. The currently available literature and clinical evidence are not sufficient to establish a definitive association between this variant and the reported condition. Therefore, this variant is classified as a variant of uncertain significance.

NM_001080449.3(DNA2):c.1120A>G (p.Thr374Ala)

Gene: DNA2 (DNA replication helicase/nuclease 2; minus strand). Cytogenetic location: 10q21.3.
Variant type: single nucleotide variant.
Coding change: c.1120A>G on transcript NM_001080449.3 (MANE Select); coding-DNA position 1120, A replaced by G.
Protein change: p.Thr374Ala; replaces threonine 374 with alanine.
Molecular consequence: missense variant. On other transcripts: non-coding transcript variant (1).
Genome position (GRCh38, 1-based): chr10:68,445,021, T>C on the plus strand (A>G on the coding strand, the complement: DNA2 is on the minus strand). VCF-style: chr10-68445021-T-C. GRCh37 (hg19) VCF-style: chr10-70204778-T-C.
Other names: short protein forms T374A.
Identifiers: ClinVar variation 5020861 (VCV005020861.1).
Genomic context (GRCh38, chr10:68,445,021, plus strand): 5'-TACAAGTTTTCTCTTCCTCAATTATTTGTGGCAAAGAAGCAAGCTGTGTCTTCTGTCTAG[T>C]AGCAGATTTGCTAATACGGTGAAACAATGAGAATGCCATCTGGTTTCTTAGCTTTAATAA-3'
Protein context (NP_001073918.2, residues 364-384): SLFHRISKSA[Thr374Ala]RQKTQLASLP